The following is an entry in ClinVar:

ClinVar aggregate classification (germline): Uncertain significance. Review status: criteria provided, multiple submitters, no conflicts (2 of 4 stars). 3 submissions from 3 submitters: Uncertain significance (3). Last evaluated 2025-06-15.

Conditions:
Inborn genetic diseases. Identifiers: MedGen C0950123, MeSH D030342.

Allele frequency attached by ClinVar (database versions not stated): gnomAD exomes below 0.00001; ExAC 0.00001; TOPMed 0.00009.

Submissions (3):

Labcorp Genetics (formerly Invitae), Labcorp
Classification: Uncertain significance. Last evaluated: 2025-06-15. Review status: criteria provided, single submitter. Criteria: Invitae Variant Classification Sherloc (09022015). Collection method: clinical testing. Allele origin: germline.
Comment: This sequence change replaces arginine, which is basic and polar, with histidine, which is basic and polar, at codon 1305 of the DOCK6 protein (p.Arg1305His). This variant is present in population databases (rs772432226, gnomAD 0.003%). This variant has not been reported in the literature in individuals affected with DOCK6-related conditions. ClinVar contains an entry for this variant (Variation ID: 1307681). Invitae Evidence Modeling of protein sequence and biophysical properties (such as structural, functional, and spatial information, amino acid conservation, physicochemical variation, residue mobility, and thermodynamic stability) indicates that this missense variant is not expected to disrupt DOCK6 protein function with a negative predictive value of 80%. In summary, the available evidence is currently insufficient to determine the role of this variant in disease. Therefore, it has been classified as a Variant of Uncertain Significance.

Ambry Genetics
Classification: Uncertain significance for Inborn genetic diseases. Last evaluated: 2025-02-19. Review status: criteria provided, single submitter. Criteria: Ambry Variant Classification Scheme 2023. Collection method: clinical testing. Allele origin: germline.

GeneDx
Classification: Uncertain significance. Last evaluated: 2019-08-13. Review status: criteria provided, single submitter. Criteria: GeneDx Variant Classification Process June 2021. Collection method: clinical testing. Allele origin: germline. Affected: yes.
Comment: Not observed at a significant frequency in large population cohorts (Lek et al., 2016); In silico analysis, which includes protein predictors and evolutionary conservation, supports a deleterious effect; Has not been previously published as pathogenic or benign to our knowledge

NM_020812.4(DOCK6):c.3914G>A (p.Arg1305His)

Genes: DOCK6 (dedicator of cytokinesis 6; minus strand), DOCK6-AS1 (DOCK6 antisense RNA 1; plus strand). Cytogenetic location: 19p13.2.
Variant type: single nucleotide variant.
Coding change: c.3914G>A on transcript NM_020812.4 (MANE Select); coding-DNA position 3914, G replaced by A.
Protein change: p.Arg1305His; replaces arginine 1305 with histidine.
Molecular consequence: missense variant.
Genome position (GRCh38, 1-based): chr19:11,215,908, C>T on the plus strand (G>A on the coding strand, the complement: DOCK6 is on the minus strand). VCF-style: chr19-11215908-C-T. GRCh37 (hg19) VCF-style: chr19-11326584-C-T.
Other names: c.4019G>A, p.Arg1340His (NM_001367830.1); c.3914G>A (NM_020812.2); short protein forms R1305H, R1340H.
Identifiers: ClinVar variation 1307681 (VCV001307681.5), dbSNP rs772432226, ClinGen allele CA9207061.